The following is an entry in ClinVar:

ClinVar aggregate classification (germline): Uncertain significance (1 of 4 stars; one submission).

Conditions:
Hereditary cancer-predisposing syndrome. Also called: Tumor predisposition; Hereditary neoplastic syndrome; Neoplastic Syndromes, Hereditary; Hereditary Cancer Syndrome. Identifiers: Orphanet 140162, MedGen C0027672, MeSH D009386, MONDO:0015356.

Submission:

Ambry Genetics
Classification: Uncertain significance for Hereditary cancer-predisposing syndrome. Last evaluated: 2025-04-03. Review status: criteria provided, single submitter. Criteria: Ambry Variant Classification Scheme 2023. Collection method: clinical testing. Allele origin: germline.
Comment: The p.P38S variant (also known as c.112C>T), located in coding exon 1 of the AXIN2 gene, results from a C to T substitution at nucleotide position 112. The proline at codon 38 is replaced by serine, an amino acid with similar properties. This amino acid position is conserved. In addition, this alteration is predicted to be tolerated by in silico analysis. Based on the available evidence, the clinical significance of this variant remains unclear.

NM_004655.4(AXIN2):c.112C>T (p.Pro38Ser)

Gene: AXIN2 (axin 2; minus strand). Cytogenetic location: 17q24.1.
Variant type: single nucleotide variant.
Coding change: c.112C>T on transcript NM_004655.4 (MANE Select); coding-DNA position 112, C replaced by T.
Protein change: p.Pro38Ser; replaces proline 38 with serine.
Molecular consequence: missense variant.
Genome position (GRCh38, 1-based): chr17:65,558,509, G>A on the plus strand (C>T on the coding strand, the complement: AXIN2 is on the minus strand). VCF-style: chr17-65558509-G-A. GRCh37 (hg19) VCF-style: chr17-63554627-G-A.
Other names: c.112C>T, p.Pro38Ser (NM_001363813.1); short protein forms P38S.
Identifiers: ClinVar variation 3980868 (VCV003980868.1).
Genomic context (GRCh38, chr17:65,558,509, plus strand): 5'-TCCGCCTGGTGTTGGAAGAGACAGGCATGGGTTTGGTGACCTGGCCCTTGCCCACCCCTG[G>A]CTGACACGGTGGGGTCTCCCCTTCTTCCCCTGGCACTGGGGGCCGCGGGGCATCCTCACG-3'
Protein context (NP_004646.3, residues 28-48): GEEGETPPCQ[Pro38Ser]GVGKGQVTKP